The following is an entry in ClinVar:

ClinVar aggregate classification (germline): Likely pathogenic. Review status: criteria provided, multiple submitters, no conflicts (2 of 4 stars). 4 submissions from 4 submitters: Likely pathogenic (3). 1 of the submissions does not count toward it. Last evaluated 2022-11-23.

Conditions:
Tuberous sclerosis syndrome (TSC). Also called: Tuberous Sclerosis Complex; Tuberous sclerosis. Identifiers: Orphanet 805, MedGen C0041341, MONDO:0001734.
Tuberous sclerosis 2 (TSC2). Identifiers: Orphanet 805, MedGen C1860707, MONDO:0013199, OMIM 613254.
Hereditary cancer-predisposing syndrome. Also called: Neoplastic Syndromes, Hereditary; Tumor predisposition; Hereditary Cancer Syndrome; Hereditary neoplastic syndrome. Identifiers: Orphanet 140162, MedGen C0027672, MeSH D009386, MONDO:0015356.

Submissions (4):

Ambry Genetics
Classification: Likely pathogenic for Hereditary cancer-predisposing syndrome. Last evaluated: 2022-11-23. Review status: criteria provided, single submitter. Criteria: Ambry Variant Classification Scheme 2023. Collection method: clinical testing. Allele origin: germline.
Comment: The p.G1595R variant (also known as c.4783G>A), located in coding exon 36 of the TSC2 gene, results from a G to A substitution at nucleotide position 4783. This alteration has been observed in at least two individuals with a personal and/or family history that is consistent with TSC2-related disease (Jiangyi W et al. Aging (Albany NY), 2020 01;12:756-766; personal communication). This variant is considered to be rare based on population cohorts in the Genome Aggregation Database (gnomAD). The glycine at codon 1595 is replaced by arginine, an amino acid with dissimilar properties. This amino acid position is highly conserved in available vertebrate species. In addition, this alteration is predicted to be deleterious by in silico analysis. Based on the majority of available evidence to date, this variant is likely to be pathogenic.

Labcorp Genetics (formerly Invitae), Labcorp
Classification: Likely pathogenic for Tuberous sclerosis 2. Last evaluated: 2021-09-21. Review status: criteria provided, single submitter. Criteria: Invitae Variant Classification Sherloc (09022015). Collection method: clinical testing. Allele origin: germline.
Comment: This variant is not present in population databases (ExAC no frequency). This sequence change replaces glycine with arginine at codon 1595 of the TSC2 protein (p.Gly1595Arg). The glycine residue is highly conserved and there is a moderate physicochemical difference between glycine and arginine. This missense change has been observed in individuals with tuberous sclerosis complex (PMID: 31927531; Invitae). ClinVar contains an entry for this variant (Variation ID: 49464). Advanced modeling of protein sequence and biophysical properties (such as structural, functional, and spatial information, amino acid conservation, physicochemical variation, residue mobility, and thermodynamic stability) performed at Invitae indicates that this missense variant is expected to disrupt TSC2 protein function. In summary, the currently available evidence indicates that the variant is pathogenic, but additional data are needed to prove that conclusively. Therefore, this variant has been classified as Likely Pathogenic.

Mayo Clinic Laboratories, Mayo Clinic
Classification: Likely pathogenic. Last evaluated: 2020-04-10. Review status: criteria provided, single submitter. Criteria: ACMG Guidelines, 2015. Collection method: clinical testing. Allele origin: germline. Observed: 2 variant alleles.
Comment: PM2, PM6, PP1, PP4

Tuberous sclerosis database (TSC2)
No classification provided. Condition: TSC. Review status: no classification provided. Criteria: Tuberous Sclerosis Database Assertion Criteria 2015. Collection method: curation. Allele origin: germline. Affected: yes. Not counted in ClinVar's aggregate classification.

Literature cited by the submitters: PubMed 31927531 (cited by 3 submitters); PMC 6620740 (cited by Mayo Clinic Laboratories, Mayo Clinic).

NM_000548.5(TSC2):c.4783G>A (p.Gly1595Arg)

Gene: TSC2 (TSC complex subunit 2; plus strand). Cytogenetic location: 16p13.3.
Variant type: single nucleotide variant.
Coding change: c.4783G>A on transcript NM_000548.5 (MANE Select); coding-DNA position 4783, G replaced by A.
Protein change: p.Gly1595Arg; replaces glycine 1595 with arginine.
Molecular consequence: missense variant.
Genome position (GRCh38, 1-based): chr16:2,086,313, G>A. VCF-style: chr16-2086313-G-A. GRCh37 (hg19) VCF-style: chr16-2136314-G-A.
Other names: c.4582G>A, p.Gly1528Arg (NM_001077183.3); c.4714G>A, p.Gly1572Arg (NM_001114382.3); c.4474G>A, p.Gly1492Arg (NM_001318827.2); c.4438G>A, p.Gly1480Arg (NM_001318829.2); c.4051G>A, p.Gly1351Arg (NM_001318831.2); c.4615G>A, p.Gly1539Arg (NM_001318832.2); c.4585G>A, p.Gly1529Arg (NM_001363528.2); c.4651G>A, p.Gly1551Arg (NM_001370404.1); and 1 more; short protein forms G1595R, G1351R, G1529R, G1572R, G1552R, G1480R, G1492R, G1528R.
Identifiers: ClinVar variation 49464 (VCV000049464.14), dbSNP rs45517369, ClinGen allele CA021000.
Genomic context (GRCh38, chr16:2,086,313, plus strand): 5'-CTGACGGGCCTGGGCCGGCTCATCGAGCTGAAGGACTGCCAGCCGGACAAGGTGTACCTG[G>A]GAGGCCTGGACGTGTGTGGTGAGGACGGCCAGTTCACCTACTGCTGGCACGATGACATCA-3'
Protein context (NP_000539.2, residues 1585-1605): KDCQPDKVYL[Gly1595Arg]GLDVCGEDGQ